The following is an entry in ClinVar:

ClinVar aggregate classification (germline): Conflicting classifications of pathogenicity. Review status: criteria provided, conflicting classifications (1 of 4 stars). 2 submissions from 2 submitters: Uncertain significance (1); Likely benign (1). Last evaluated 2026-06-17.

Conditions:
Hereditary cancer-predisposing syndrome. Also called: Hereditary Cancer Syndrome; Neoplastic Syndromes, Hereditary; Hereditary neoplastic syndrome; Tumor predisposition. Identifiers: Orphanet 140162, MedGen C0027672, MeSH D009386, MONDO:0015356.
Hereditary diffuse gastric adenocarcinoma (HDGC). Also called: DIFFUSE GASTRIC AND LOBULAR BREAST CANCER SYNDROME. Identifiers: Orphanet 26106, MedGen C1708349, MONDO:0007648, OMIM 137215.

gnomAD v4.1: 1 of 1,550,174 alleles (0.000065%); highest among the groups gnomAD compares: Admixed American, 0.002%; no homozygotes.

Submissions (2):

Ambry Genetics
Classification: Likely benign for Hereditary cancer-predisposing syndrome. Last evaluated: 2026-06-17. Review status: criteria provided, single submitter. Criteria: Ambry Variant Classification Scheme 2023. Collection method: clinical testing. Allele origin: germline.

Labcorp Genetics (formerly Invitae), Labcorp
Classification: Uncertain significance for Hereditary diffuse gastric adenocarcinoma. Last evaluated: 2024-10-24. Review status: criteria provided, single submitter. Criteria: Invitae Variant Classification Sherloc (09022015). Collection method: clinical testing. Allele origin: germline.
Comment: This sequence change replaces serine, which is neutral and polar, with tyrosine, which is neutral and polar, at codon 19 of the CDH1 protein (p.Ser19Tyr). This variant is present in population databases (no rsID available, gnomAD 0.004%). This variant has not been reported in the literature in individuals affected with CDH1-related conditions. ClinVar contains an entry for this variant (Variation ID: 1423666). An algorithm developed to predict the effect of missense changes on protein structure and function (PolyPhen-2) suggests that this variant is likely to be tolerated. In summary, the available evidence is currently insufficient to determine the role of this variant in disease. Therefore, it has been classified as a Variant of Uncertain Significance.

NM_004360.5(CDH1):c.56C>A (p.Ser19Tyr)

Gene: CDH1 (cadherin 1; plus strand). Cytogenetic location: 16q22.1.
Variant type: single nucleotide variant.
Coding change: c.56C>A on transcript NM_004360.5 (MANE Select); coding-DNA position 56, C replaced by A.
Protein change: p.Ser19Tyr; replaces serine 19 with tyrosine.
Molecular consequence: missense variant. On other transcripts: 5 prime UTR variant (2).
Genome position (GRCh38, 1-based): chr16:68,738,304, C>A. VCF-style: chr16-68738304-C-A. GRCh37 (hg19) VCF-style: chr16-68772207-C-A.
Other names: c.56C>A (NM_004360.3); c.56C>A, p.Ser19Tyr (NM_001317184.2); c.-1560C>A (NM_001317185.2); c.-1764C>A (NM_001317186.2); short protein forms S19Y.
Identifiers: ClinVar variation 1423666 (VCV001423666.8), dbSNP rs1221633501, ClinGen allele CA396451614.